The following is an entry in ClinVar:

NM_013339.4(ALG6):c.798_804dup (p.Gly269Ter)

Gene: ALG6 (ALG6 alpha-1,3-glucosyltransferase; plus strand). Cytogenetic location: 1p31.3.
Variant type: Duplication.
Coding change: c.798_804dup on transcript NM_013339.4 (MANE Select); coding-DNA positions 798 to 804, 7 bases duplicated (TGATCGT; older notation c.798_804dupTGATCGT).
Protein change: p.Gly269Ter; replaces glycine 269 with a stop codon.
Molecular consequence: nonsense.
Genome position (GRCh38, 1-based): chr1:63,412,043-63,412,049, TGATCGT duplicated; duplicating any 7 consecutive bases within chr1:63,412,041-63,412,049 gives the same sequence; the c. name uses the placement nearest the transcript's 3' end. VCF-style (leftmost placement, unchanged base first): chr1-63412040-G-GGTTGATC. GRCh37 (hg19) VCF-style: chr1-63877711-G-GGTTGATC.
Other names: short protein forms G269*.
Identifiers: ClinVar variation 2816183 (VCV002816183.3), dbSNP rs2523750633, ClinGen allele CA2739272600.
Genomic context (GRCh38, chr1:63,412,040, plus strand): 5'-CTGGCTGCCATTCTTTACAGAAAGGGAACAAACCCTGCAGGTTCTAAGAAGACTCTTCCC[G>GGTTGATC]GTTGATCGTGGATTATTTGAGGCATGTTTAAACACTTTCCTCTCCTTTCTGTTACTGTAC-3'

ClinVar aggregate classification (germline): Pathogenic (1 of 4 stars; one submission).

Conditions:
ALG6-congenital disorder of glycosylation 1C (CDG1C). Also called: Congenital disorder of glycosylation type 1C; Congenital disorder of glycosylation, type Ic; CDG Ic; CARBOHYDRATE-DEFICIENT GLYCOPROTEIN SYNDROME, TYPE I, WITH DEFICIENT GLYCOSYLATION OF DOLICHOL-LINKED OLIGOSACCHARIDE; CARBOHYDRATE-DEFICIENT GLYCOPROTEIN SYNDROME, TYPE V. Identifiers: Orphanet 79320, MedGen C2930997, MONDO:0011291, OMIM 603147.

Submission:

Labcorp Genetics (formerly Invitae), Labcorp
Classification: Pathogenic for ALG6-congenital disorder of glycosylation 1C. Last evaluated: 2022-11-24. Review status: criteria provided, single submitter. Criteria: Invitae Variant Classification Sherloc (09022015). Collection method: clinical testing. Allele origin: germline.
Comment: This variant is not present in population databases (gnomAD no frequency). This sequence change creates a premature translational stop signal (p.Gly269*) in the ALG6 gene. It is expected to result in an absent or disrupted protein product. Loss-of-function variants in ALG6 are known to be pathogenic (PMID: 19862844). This variant has not been reported in the literature in individuals affected with ALG6-related conditions. For these reasons, this variant has been classified as Pathogenic.

Literature cited by the submitters: PubMed 19862844.